The following is an entry in ClinVar:

ClinVar aggregate classification (germline): Likely benign (1 of 4 stars; one submission).

Conditions:
CUL4B-related disorder. Also called: CUL4B-related condition.

Submission:

PreventionGenetics, part of Exact Sciences
Classification: Likely benign for CUL4B-related condition. Last evaluated: 2026-03-31. Review status: criteria provided, single submitter. Criteria: ACMG Guidelines, 2015. Collection method: clinical testing. Allele origin: germline.
Comment: This variant is classified as likely benign based on ACMG/AMP sequence variant interpretation guidelines (Richards et al. 2015 PMID: 25741868, with internal and published modifications).

NM_001079872.2(CUL4B):c.1959T>A (p.Val653=)

Gene: CUL4B (cullin 4B; minus strand). Cytogenetic location: Xq24.
Variant type: single nucleotide variant.
Coding change: c.1959T>A on transcript NM_001079872.2 (MANE Select); coding-DNA position 1959, T replaced by A.
Protein change: p.Val653=; no amino-acid change (valine 653 retained).
Molecular consequence: synonymous variant.
Genome position (GRCh38, 1-based): chrX:120,537,014, A>T on the plus strand (T>A on the coding strand, the complement: CUL4B is on the minus strand). VCF-style: chrX-120537014-A-T. GRCh37 (hg19) VCF-style: chrX-119670869-A-T.
Other names: c.1974T>A, p.Val658= (NM_001330624.2); c.1425T>A, p.Val475= (NM_001369145.1); c.2013T>A, p.Val671= (NM_003588.4).
Identifiers: ClinVar variation 4977365 (VCV004977365.1).
Genomic context (GRCh38, chrX:120,537,014, plus strand): 5'-CACATATGTCGGCCAATAGCCCATTGTCAGGATATTCACAGTTAACTCAATATTTCCCGG[A>T]ACATTCTGATTCTGCATATACTATAAGAAGATCAAAACACACACTGAGATCTTAAAACTG-3'
Protein context (NP_001073341.1, residues 643-663): QFKQYMQNQN[Val653=]PGNIELTVNI